The following is an entry in ClinVar:

ClinVar aggregate classification (germline): Uncertain significance. Review status: criteria provided, multiple submitters, no conflicts (2 of 4 stars). 3 submissions from 3 submitters: Uncertain significance (3). Last evaluated 2026-05-23.

Conditions:
PEX10-related disorder. Also called: PEX10-related condition.
Inborn genetic diseases. Identifiers: MedGen C0950123, MeSH D030342.
Peroxisome biogenesis disorder, complementation group 7 (CG7). Also called: Peroxisome biogenesis disorder, complementation group B. Identifiers: MedGen C1864399.

Allele frequency attached by ClinVar (database versions not stated): gnomAD exomes 0.00003 and 0.00001; TOPMed 0.00005; ESP Exome Variant Server 0.00008; gnomAD 0.00001; ExAC 0.00002.
gnomAD v4.1: 22 of 1,601,290 alleles (0.0014%); highest among the groups gnomAD compares: Admixed American, 0.0034%; no homozygotes.

Submissions (3):

PreventionGenetics, part of Exact Sciences
Classification: Uncertain significance for PEX10-related condition. Last evaluated: 2026-05-23. Review status: criteria provided, single submitter. Criteria: ACMG Guidelines, 2015. Collection method: clinical testing. Allele origin: germline.
Comment: The PEX10 c.1000T>C variant is predicted to result in the amino acid substitution p.Phe334Leu. To our knowledge, this variant has not been reported in the literature. This variant is reported in 0.0061% of alleles in individuals of Latino descent in gnomAD. At this time, the clinical significance of this variant is uncertain due to the absence of conclusive functional and genetic evidence.

Ambry Genetics
Classification: Uncertain significance for Inborn genetic diseases. Last evaluated: 2025-03-08. Review status: criteria provided, single submitter. Criteria: Ambry Variant Classification Scheme 2023. Collection method: clinical testing. Allele origin: germline.

Labcorp Genetics (formerly Invitae), Labcorp
Classification: Uncertain significance for Peroxisome biogenesis disorder, complementation group 7. Last evaluated: 2022-08-23. Review status: criteria provided, single submitter. Criteria: Invitae Variant Classification Sherloc (09022015). Collection method: clinical testing. Allele origin: germline.
Comment: This sequence change replaces phenylalanine, which is neutral and non-polar, with leucine, which is neutral and non-polar, at codon 334 of the PEX10 protein (p.Phe334Leu). This variant is present in population databases (rs148057567, gnomAD 0.006%). This variant has not been reported in the literature in individuals affected with PEX10-related conditions. ClinVar contains an entry for this variant (Variation ID: 1366109). Algorithms developed to predict the effect of missense changes on protein structure and function (SIFT, PolyPhen-2, Align-GVGD) all suggest that this variant is likely to be tolerated. In summary, the available evidence is currently insufficient to determine the role of this variant in disease. Therefore, it has been classified as a Variant of Uncertain Significance.

NM_002617.4(PEX10):c.940T>C (p.Phe314Leu)

Gene: PEX10 (peroxisomal biogenesis factor 10; minus strand). Cytogenetic location: 1p36.32.
Variant type: single nucleotide variant.
Coding change: c.940T>C on transcript NM_002617.4 (MANE Select); coding-DNA position 940, T replaced by C.
Protein change: p.Phe314Leu; replaces phenylalanine 314 with leucine.
Molecular consequence: missense variant. On other transcripts: non-coding transcript variant (1).
Genome position (GRCh38, 1-based): chr1:2,405,807, A>G on the plus strand (T>C on the coding strand, the complement: PEX10 is on the minus strand). VCF-style: chr1-2405807-A-G. GRCh37 (hg19) VCF-style: chr1-2337246-A-G.
Other names: c.1000T>C (NM_153818.1); c.997T>C, p.Phe333Leu (NM_001374425.1); c.565T>C, p.Phe189Leu (NM_001374426.1); c.508T>C, p.Phe170Leu (NM_001374427.1); c.1000T>C, p.Phe334Leu (NM_153818.2); short protein forms F314L, F333L, F334L, F189L, F170L.
Identifiers: ClinVar variation 1366109 (VCV001366109.5), dbSNP rs148057567, ClinGen allele CA537949.